The following is an entry in ClinVar:

NM_016219.5(MAN1B1):c.1735C>A (p.Gln579Lys)

Gene: MAN1B1 (mannosidase alpha class 1B member 1; plus strand). Cytogenetic location: 9q34.3.
Variant type: single nucleotide variant.
Coding change: c.1735C>A on transcript NM_016219.5 (MANE Select); coding-DNA position 1735, C replaced by A.
Protein change: p.Gln579Lys; replaces glutamine 579 with lysine.
Molecular consequence: missense variant. On other transcripts: non-coding transcript variant (2).
Genome position (GRCh38, 1-based): chr9:137,107,418, C>A. VCF-style: chr9-137107418-C-A. GRCh37 (hg19) VCF-style: chr9-140001870-C-A.
Other names: short protein forms Q579K.
Identifiers: ClinVar variation 3626416 (VCV003626416.2).

ClinVar aggregate classification (germline): Uncertain significance (1 of 4 stars; one submission).

Conditions:
Rafiq syndrome (RAFQS). Identifiers: Orphanet 88616, MedGen C3280127, MONDO:0013624, OMIM 614202.

gnomAD v4.1: 17 of 1,613,392 alleles (0.0011%); highest among the groups gnomAD compares: Non-Finnish European, 0.0013%; no homozygotes.

Submission:

Labcorp Genetics (formerly Invitae), Labcorp
Classification: Uncertain significance for Rafiq syndrome. Last evaluated: 2024-05-23. Review status: criteria provided, single submitter. Criteria: Invitae Variant Classification Sherloc (09022015). Collection method: clinical testing. Allele origin: germline.
Comment: This sequence change replaces glutamine, which is neutral and polar, with lysine, which is basic and polar, at codon 579 of the MAN1B1 protein (p.Gln579Lys). This variant is present in population databases (rs746999660, gnomAD 0.003%). This variant has not been reported in the literature in individuals affected with MAN1B1-related conditions. An algorithm developed to predict the effect of missense changes on protein structure and function (PolyPhen-2) suggests that this variant is likely to be tolerated. In summary, the available evidence is currently insufficient to determine the role of this variant in disease. Therefore, it has been classified as a Variant of Uncertain Significance.